The following is an entry in ClinVar:

NM_001376.5(DYNC1H1):c.13880C>A (p.Ala4627Asp)

Gene: DYNC1H1 (dynein cytoplasmic 1 heavy chain 1; plus strand). Cytogenetic location: 14q32.31.
Variant type: single nucleotide variant.
Coding change: c.13880C>A on transcript NM_001376.5 (MANE Select); coding-DNA position 13880, C replaced by A.
Protein change: p.Ala4627Asp; replaces alanine 4627 with aspartic acid.
Molecular consequence: missense variant.
Genome position (GRCh38, 1-based): chr14:102,050,502, C>A. VCF-style: chr14-102050502-C-A. GRCh37 (hg19) VCF-style: chr14-102516839-C-A.
Other names: short protein forms A4627D.
Identifiers: ClinVar variation 3636197 (VCV003636197.2).
Genomic context (GRCh38, chr14:102,050,502, plus strand): 5'-TACCTGTCTACCTGAACTTCACCCGTGCAGACCTCATCTTCACCGTGGACTTCGAAATTG[C>A]TACAAAGGAGGATCCTCGCAGCTTCTACGAGCGGGGTGTCGCAGTCTTGTGCACAGAGTA-3'
Protein context (NP_001367.2, residues 4617-4637): DLIFTVDFEI[Ala4627Asp]TKEDPRSFYE

ClinVar aggregate classification (germline): Uncertain significance (1 of 4 stars; one submission).

Conditions:
Charcot-Marie-Tooth disease axonal type 2O. Also called: Charcot-Marie-Tooth disease, axonal, type 20; CHARCOT-MARIE-TOOTH NEUROPATHY, AXONAL, TYPE 2O; CHARCOT-MARIE-TOOTH DISEASE, AXONAL, AUTOSOMAL DOMINANT, TYPE 2O; Charcot-Marie-Tooth Neuropathy Type 2O. Identifiers: Orphanet 284232, MedGen C3280220, MONDO:0013644, OMIM 614228.

Submission:

Labcorp Genetics (formerly Invitae), Labcorp
Classification: Uncertain significance for Charcot-Marie-Tooth disease axonal type 2O. Last evaluated: 2024-09-12. Review status: criteria provided, single submitter. Criteria: Invitae Variant Classification Sherloc (09022015). Collection method: clinical testing. Allele origin: germline.
Comment: This sequence change replaces alanine, which is neutral and non-polar, with aspartic acid, which is acidic and polar, at codon 4627 of the DYNC1H1 protein (p.Ala4627Asp). This variant is not present in population databases (gnomAD no frequency). This variant has not been reported in the literature in individuals affected with DYNC1H1-related conditions. Invitae Evidence Modeling of protein sequence and biophysical properties (such as structural, functional, and spatial information, amino acid conservation, physicochemical variation, residue mobility, and thermodynamic stability) indicates that this missense variant is not expected to disrupt DYNC1H1 protein function with a negative predictive value of 95%. In summary, the available evidence is currently insufficient to determine the role of this variant in disease. Therefore, it has been classified as a Variant of Uncertain Significance.